The following is an entry in ClinVar:

NM_001323289.2(CDKL5):c.1922G>T (p.Ser641Ile)

Gene: CDKL5 (cyclin dependent kinase like 5; plus strand). Cytogenetic location: Xp22.13.
Variant type: single nucleotide variant.
Coding change: c.1922G>T on transcript NM_001323289.2 (MANE Select); coding-DNA position 1922, G replaced by T.
Protein change: p.Ser641Ile; replaces serine 641 with isoleucine.
Molecular consequence: missense variant.
Genome position (GRCh38, 1-based): chrX:18,604,846, G>T. VCF-style: chrX-18604846-G-T. GRCh37 (hg19) VCF-style: chrX-18622966-G-T.
Other names: c.1922G>T, p.Ser641Ile (NM_001037343.2, NM_003159.3); short protein forms S641I.
Identifiers: ClinVar variation 656692 (VCV000656692.1), dbSNP rs1602287027, ClinGen allele CA412363985.

ClinVar aggregate classification (germline): Uncertain significance (1 of 4 stars; one submission).

Conditions:
Angelman syndrome-like. Identifiers: MedGen CN128785.
Developmental and epileptic encephalopathy, 2 (DEE2). Also called: INFANTILE SPASM SYNDROME, X-LINKED 2; CDKL5 deficiency disorder. Identifiers: Orphanet 1934, Orphanet 3451, Orphanet 505652, MedGen C4750718, MONDO:0010396, OMIM 300672.

Submission:

Labcorp Genetics (formerly Invitae), Labcorp
Classification: Uncertain significance for Early infantile epileptic encephalopathy 2; Angelman syndrome-like. Last evaluated: 2018-12-10. Review status: criteria provided, single submitter. Criteria: Invitae Variant Classification Sherloc (09022015). Collection method: clinical testing. Allele origin: germline.
Comment: This sequence change replaces serine with isoleucine at codon 641 of the CDKL5 protein (p.Ser641Ile). The serine residue is highly conserved and there is a large physicochemical difference between serine and isoleucine. This variant is not present in population databases (ExAC no frequency). This variant has not been reported in the literature in individuals with CDKL5-related conditions. Algorithms developed to predict the effect of missense changes on protein structure and function are either unavailable or do not agree on the potential impact of this missense change (SIFT: "Deleterious"; PolyPhen-2: "Benign"; Align-GVGD: "Class C65"). In summary, the available evidence is currently insufficient to determine the role of this variant in disease. Therefore, it has been classified as a Variant of Uncertain Significance.